The following continues an entry in ClinVar:

NM_000059.4(BRCA2):c.3975_3978dup (p.Ala1327fs)

Gene: BRCA2. ClinVar aggregate classification (germline): Pathogenic. Pathogenic (1).

Submissions 11 to 23 of 34:

Color Diagnostics, LLC DBA Color Health
Classification: Pathogenic for Hereditary cancer-predisposing syndrome. Last evaluated: 2025-02-03. Review status: criteria provided, single submitter. Criteria: ACMG Guidelines, 2015. Collection method: clinical testing. Allele origin: germline. Not counted in ClinVar's aggregate classification.
Comment: This variant inserts 4 nucleotides in exon 11 of the BRCA2 gene, creating a frameshift and premature translation stop signal. This variant is also known as 4206ins4 in the literature. This variant is expected to result in an absent or non-functional protein product. This variant has been reported in 20 individuals affected with breast cancer, including 7 male individuals, and 5 individuals affected with ovarian cancer (PMID: 10978364, 16168118, 17148771, 17997147, 18824701, 20104584, 21324516, 25066507, 25330149, 25366421, 28008555, 29161300, 30441849, 33471991; Leiden Open Variation Database DB-ID BRCA2_002096, 33891299, 34949660). This variant has been reported in several hereditary breast and ovarian cancer families (PMID: 21232165, 22923021, 23397983, 29907814, 31409081) and has been identified in 10 families among the CIMBA participants (PMID: 29446198). A multifactorial analysis has reported a likelihood ratio for pathogenicity based on personal and family history of 143.038 from log(LR)=2.155 for 8 carriers (PMID: 31853058). This variant has been identified in 1/225036 chromosomes in the general population by the Genome Aggregation Database (gnomAD). Loss of BRCA2 function is a known mechanism of disease. Based on the available evidence, this variant is classified as Pathogenic.

Ambry Genetics
Classification: Pathogenic for Hereditary cancer-predisposing syndrome. Last evaluated: 2025-01-11. Review status: criteria provided, single submitter. Criteria: Ambry Variant Classification Scheme 2023. Collection method: clinical testing. Allele origin: germline. Not counted in ClinVar's aggregate classification.
Comment: The c.3975_3978dupTGCT pathogenic mutation, located in coding exon 10 of the BRCA2 gene, results from a duplication of TGCT at nucleotide position 3975, causing a translational frameshift with a predicted alternate stop codon (p.A1327Cfs*4). This mutation has been reported in multiple breast, ovarian, and prostate cancer patients in the literature (e.g. Plaschke J et al. J. Med. Genet. 2000 Sep;37:E17; Pohlreich P et al. Breast Cancer Res. 2005 Jul;7:R728-36; Risch HA et al. J. Natl. Cancer Inst. 2006 Dec;98:1694-706; Ratajska M et al. J. Appl. Genet. 2015 May;56:193-8; Na R et al. Eur. Urol. 2017 05;71(5):740-747; Rebbeck TR et al. Hum Mutat, 2018 05;39:593-620), including male breast cancer patients (e.g. Stegel V et al. BMC Med. Genet. 2011 Jan;12:9; Pritzlaff M et al. Breast Cancer Res. Treat. 2017 Feb;161:575-586; Strojnik K et al. Breast Cancer Res Treat, 2021 Aug;188:811-820). Of note, this mutation is also designated as 4206ins4 and 4203_4206dupTGCT in published literature. In addition to the clinical data presented in the literature, this alteration is expected to result in loss of function by premature protein truncation or nonsense-mediated mRNA decay. As such, this alteration is interpreted as a disease-causing mutation.

Quest Diagnostics Nichols Institute San Juan Capistrano
Classification: Pathogenic. Last evaluated: 2024-11-17. Review status: criteria provided, single submitter. Criteria: Quest Diagnostics criteria. Collection method: clinical testing. Allele origin: unknown. Not counted in ClinVar's aggregate classification.
Comment: The BRCA2 c.3975_3978dup (p.Ala1327Cysfs*4) variant alters the translational reading frame of the BRCA2 mRNA and causes the premature termination of BRCA2 protein synthesis. This variant has been reported in the published literature in individuals with pancreatic cancer (PMID: 32073954 (2020)), ovarian cancer (PMID: 36367610 (2023), 35382848 (2022), 30441849 (2018)), male breast cancer (PMID: 33891299 (2021), 28008555 (2017)), and breast cancer (PMID: 10978364 (2000), 29907814 (2018), 33471991 (2021), see also LOVD). This variant has not been reported in large, multi-ethnic general populations (Genome Aggregation Database). Based on the available information, this variant is classified as pathogenic.

Blueprint Genetics
Classification: Pathogenic for BRCA2-related disorders. Last evaluated: 2024-03-28. Review status: criteria provided, single submitter. Criteria: ACMG Guidelines, 2015. Collection method: clinical testing. Allele origin: germline. Affected: yes. Observed: 3 variant alleles. Not counted in ClinVar's aggregate classification.

All of Us Research Program, National Institutes of Health
Classification: Pathogenic for Breast-ovarian cancer, familial, susceptibility to, 2. Last evaluated: 2024-01-22. Review status: criteria provided, single submitter. Criteria: ACMG Guidelines, 2015. Collection method: clinical testing. Allele origin: germline. Inheritance: Autosomal dominant inheritance. Observed: 2 variant alleles, 2 heterozygotes. Not counted in ClinVar's aggregate classification.
Comment: This variant inserts 4 nucleotides in exon 11 of the BRCA2 gene, creating a frameshift and premature translation stop signal. This variant is also known as 4206ins4 in the literature. This variant is expected to result in an absent or non-functional protein product. This variant has been reported in 20 individuals affected with breast cancer, including 7 male individuals, and 5 individuals affected with ovarian cancer (PMID: 10978364, 16168118, 17148771, 17997147, 18824701, 20104584, 21324516, 25066507, 25330149, 25366421, 28008555, 29161300, 30441849, 33471991; Leiden Open Variation Database DB-ID BRCA2_002096, 33891299, 34949660). This variant has been reported in several hereditary breast and ovarian cancer families (PMID: 21232165, 22923021, 23397983, 29907814, 31409081) and has been identified in 10 families among the CIMBA participants (PMID: 29446198). This variant has been identified in 1/225036 chromosomes in the general population by the Genome Aggregation Database (gnomAD). Loss of BRCA2 function is a known mechanism of disease. Based on the available evidence, this variant is classified as Pathogenic.

This study involves interpretation of variants in research participants for the purpose of population health screening. Participant phenotype was not available at the time of variant classification. Additional details can be found in publication PMID: 35346344, PMCID: PMC8962531

Laboratory for Molecular Medicine, Mass General Brigham Personalized Medicine
Classification: Pathogenic for Hereditary breast ovarian cancer syndrome. Last evaluated: 2023-07-20. Review status: criteria provided, single submitter. Criteria: ACMG Guidelines, 2015. Collection method: clinical testing. Allele origin: germline. Inheritance: Autosomal dominant inheritance. Not counted in ClinVar's aggregate classification.
Comment: The p.Ala1327CysfsX4 variant in BRCA2 has been reported in >10 individuals with BRCA2-associated cancers, including 7 males (2 prostate; 5 breast cancer; Plaschke 2000 PMID: 10978364, Lu 2015 PMID: 26689913, Ratajska 2015 PMID: 25366421, Alemar 2017 PMID: 29161300, Na 2017 PMID: 27989354, Huang 2018 PMID: 29625052, Palmero 2018 PMID: 29907814, Young 2018 PMID: 29945567, Tsaousis 2019 PMID: 31159747, Strojnik 2021 PMID: 33891299). It was absent from large population studies. This variant is predicted to cause a frameshift, which alters the protein’s amino acid sequence beginning at position 1327 and leads to a premature termination codon 4 amino acids downstream. This alteration is then predicted to lead to a truncated or absent protein. Heterozygous loss of function of the BRCA2 gene is an established disease mechanism in autosomal dominant hereditary breast and ovarian cancer (BRCA2). Additionally, this variant was classified as Pathogenic on September 8, 2016 by the ClinGen-approved ENIGMA expert panel (Variation ID 51578). In summary, this variant meets criteria to be classified as pathogenic for autosomal dominant HBOC. ACMG/AMP Criteria applied: PVS1, PM2_Supporting, PS4_Moderate.

GeneDx
Classification: Pathogenic. Last evaluated: 2023-06-07. Review status: criteria provided, single submitter. Criteria: GeneDx Variant Classification Process June 2021. Collection method: clinical testing. Allele origin: germline. Affected: yes. Not counted in ClinVar's aggregate classification.
Comment: Frameshift variant predicted to result in protein truncation or nonsense mediated decay in a gene for which loss-of-function is a known mechanism of disease; Observed in individuals with a personal or family history consistent with pathogenic variants in this gene (Plaschke et al., 2000; Lubinski et al., 2004; Pohlreich et al., 2005; Borg et al., 2010; Stegel et al., 2011; Zhang et al., 2011; Novakovic et al., 2012; Karami et al., 2013; Janavicius et al., 2014; Krajc et al., 2014; Ratajska et al., 2015); Truncating variants in this gene are considered pathogenic by a well-established clinical consortium and/or database; Not observed at significant frequency in large population cohorts (gnomAD); Also known as 4203_4206dupTGCT, 3978insTGCT, and 4206insTGCT; This variant is associated with the following publications: (PMID: 26689913, 31447099, 20104584, 25066507, 29907814, 31159747, 29922827, 30040829, 16168118, 10978364, 21324516, 21232165, 15131399, 26315209, 24312913, 28008555, 22923021, 25366421, 29101607, 27989354, 29161300, 30720243, 29945567, 29625052, 33891299, 35382848, 35409996, 23397983)

Baylor Genetics
Classification: Pathogenic for Familial cancer of breast. Last evaluated: 2023-04-18. Review status: criteria provided, single submitter. Criteria: ACMG Guidelines, 2015. Collection method: clinical testing. Allele origin: unknown. Not counted in ClinVar's aggregate classification.

Centre for Mendelian Genomics, University Medical Centre Ljubljana
Classification: Pathogenic for Breast-ovarian cancer, familial, susceptibility to, 2. Last evaluated: 2022-12-09. Review status: criteria provided, single submitter. Criteria: ACMG Guidelines, 2015. Collection method: research. Allele origin: germline. Affected: no. Not counted in ClinVar's aggregate classification.
Comment: PVS1, PS4_STR PM2_SUP

Revvity Omics, Revvity
Classification: Pathogenic. Last evaluated: 2022-12-06. Review status: criteria provided, single submitter. Criteria: ACMG Guidelines, 2015. Collection method: clinical testing. Allele origin: germline. Not counted in ClinVar's aggregate classification.

Institute of Human Genetics, University of Leipzig Medical Center
Classification: Pathogenic for Breast carcinoma. Last evaluated: 2022-10-05. Review status: criteria provided, single submitter. Criteria: ACMG Guidelines, 2015. Collection method: clinical testing. Allele origin: unknown. Affected: yes. Not counted in ClinVar's aggregate classification.
Comment: _x000D_ Criteria applied: PVS1, PS4, PM2_SUP

Institute for Clinical Genetics, University Hospital TU Dresden, University Hospital TU Dresden
Classification: Pathogenic. Last evaluated: 2021-11-03. Review status: criteria provided, single submitter. Criteria: ACMG Guidelines, 2015. Collection method: clinical testing. Allele origin: germline. Not counted in ClinVar's aggregate classification.

MGZ Medical Genetics Center
Classification: Pathogenic for Familial prostate cancer. Last evaluated: 2021-09-28. Review status: criteria provided, single submitter. Criteria: ACMG Guidelines, 2015. Collection method: clinical testing. Allele origin: germline. Affected: yes. Observed: 1 variant allele. Not counted in ClinVar's aggregate classification.
Comment: ACMG criteria applied: PVS1, PM2_SUP, PP4